The following is an entry in ClinVar:

NM_021098.3(CACNA1H):c.4476+16G>A

Gene: CACNA1H (calcium voltage-gated channel subunit alpha1 H; plus strand). Cytogenetic location: 16p13.3.
Variant type: single nucleotide variant.
Coding change: c.4476+16G>A on transcript NM_021098.3 (MANE Select); 16 bases into the intron after coding-DNA position 4476, G replaced by A.
Molecular consequence: intron variant.
Genome position (GRCh38, 1-based): chr16:1,211,622, G>A. VCF-style: chr16-1211622-G-A. GRCh37 (hg19) VCF-style: chr16-1261622-G-A.
Other names: c.4476+16G>A (NM_001005407.2).
Identifiers: ClinVar variation 1669394 (VCV001669394.9), dbSNP rs746670693, ClinGen allele CA7801348.

ClinVar aggregate classification (germline): Likely benign. Review status: criteria provided, multiple submitters, no conflicts (2 of 4 stars). 2 submissions from 2 submitters: Likely benign (2). Last evaluated 2023-11-22.

Conditions:
Hyperaldosteronism, familial, type IV (HALD4). Also called: FH IV; ALDOSTERONISM, PRIMARY, AND HYPERTENSION. Identifiers: Orphanet 642671, MedGen C4310756, MONDO:0014875, OMIM 617027.
Idiopathic generalized epilepsy. Also called: Generalised epilepsy; EIG. Identifiers: MedGen C0270850, MONDO:0005579, OMIM 600669.

Allele frequency attached by ClinVar (database versions not stated): gnomAD 0.00001; gnomAD exomes 0.00001 and 0.00004; TOPMed 0.00003.
gnomAD v4.1: 21 of 1,608,924 alleles (0.0013%); highest among the groups gnomAD compares: Middle Eastern, 0.016%; no homozygotes.

Submissions (2):

Women's Health and Genetics/Laboratory Corporation of America, LabCorp
Classification: Likely benign. Last evaluated: 2023-11-22. Review status: criteria provided, single submitter. Criteria: LabCorp Variant Classification Summary - May 2015. Collection method: clinical testing. Allele origin: germline.
Comment: Variant summary: CACNA1H c.4476+16G>A alters a non-conserved nucleotide located at a position not widely known to affect splicing. Consensus agreement among computation tools predict no significant impact on normal splicing. However, these predictions have yet to be confirmed by functional studies. The variant allele was found at a frequency of 4.2e-05 in 238842 control chromosomes (gnomAD). To our knowledge, no occurrence of c.4476+16G>A in individuals affected with Idiopathic Generalized Epilepsy or other CACNA1H-related disorders and no experimental evidence demonstrating its impact on protein function have been reported. One submitter has cited a clinical-significance assessment for this variant to ClinVar after 2014 and has classified the variant as likely benign. Based on the evidence outlined above, the variant was classified as likely benign.

Labcorp Genetics (formerly Invitae), Labcorp
Classification: Likely benign for Idiopathic generalized epilepsy; Hyperaldosteronism, familial, type IV. Last evaluated: 2022-06-27. Review status: criteria provided, single submitter. Criteria: Invitae Variant Classification Sherloc (09022015). Collection method: clinical testing. Allele origin: germline.